The following is an entry in ClinVar:

NM_000277.3(PAH):c.955G>T (p.Glu319Ter)

Gene: PAH (phenylalanine hydroxylase; minus strand). Cytogenetic location: 12q23.2.
Variant type: single nucleotide variant.
Coding change: c.955G>T on transcript NM_000277.3 (MANE Select); coding-DNA position 955, G replaced by T.
Protein change: p.Glu319Ter; replaces glutamic acid 319 with a stop codon.
Molecular consequence: nonsense.
Genome position (GRCh38, 1-based): chr12:102,846,909, C>A on the plus strand (G>T on the coding strand, the complement: PAH is on the minus strand). VCF-style: chr12-102846909-C-A. GRCh37 (hg19) VCF-style: chr12-103240687-C-A.
Other names: c.955G>T, p.Glu319Ter (NM_001354304.2); short protein forms E319*.
Identifiers: ClinVar variation 92754 (VCV000092754.6), dbSNP rs398123294, ClinGen allele CA266811.

ClinVar aggregate classification (germline): Pathogenic. Review status: criteria provided, multiple submitters, no conflicts (2 of 4 stars). 2 submissions from 2 submitters: Pathogenic (2). Last evaluated 2024-05-08.

Conditions:
Phenylketonuria (PKU). Also called: Phenylketonuria (PKU); FOLLING DISEASE; OLIGOPHRENIA PHENYLPYRUVICA; Phenylketonurias. Identifiers: Orphanet 716, MedGen C0031485, MONDO:0009861, OMIM 261600. Disease mechanism: loss of function.

Submissions (2):

Myriad Genetics, Inc.
Classification: Pathogenic for Phenylketonuria. Last evaluated: 2024-05-08. Review status: criteria provided, single submitter. Criteria: Myriad Autosomal Dominant, Autosomal Recessive and X-Linked Classification Criteria (2023). Collection method: clinical testing. Allele origin: unknown.
Comment: NM_000277.1(PAH):c.955G>T(E319*) is expected to be pathogenic in the context of phenylalanine hydroxylase deficiency. This variant is predicted to lead to an abnormal or absent protein product due to the creation of a premature termination codon in PAH, a gene where loss-of-function variants are known to be pathogenic. Please note: this variant was assessed in the context of healthy population screening.

Eurofins Ntd Llc (ga)
Classification: Pathogenic. Last evaluated: 2013-01-21. Review status: criteria provided, single submitter. Criteria: EGL Classification Definitions 2015. Collection method: clinical testing. Allele origin: germline. Observed: 1 variant allele, 1 heterozygote.